The following is an entry in ClinVar:

ClinVar aggregate classification (germline): Likely benign. Review status: criteria provided, single submitter (1 of 4 stars). 2 submissions from 2 submitters: Likely benign (1). 1 of the submissions does not count toward it. Last evaluated 2025-06-12.

Conditions:
KANK1-related disorder. Also called: KANK1-related condition.

Allele frequency attached by ClinVar (database versions not stated): gnomAD exomes below 0.00001; TOPMed below 0.00001; gnomAD 0.00001.
gnomAD v4.1: 5 of 1,614,028 alleles (0.00031%); highest among the groups gnomAD compares: Admixed American, 0.0033%; no homozygotes.

Submissions (2):

Labcorp Genetics (formerly Invitae), Labcorp
Classification: Likely benign. Last evaluated: 2025-06-12. Review status: criteria provided, single submitter. Criteria: Invitae Variant Classification Sherloc (09022015). Collection method: clinical testing. Allele origin: germline.

PreventionGenetics, part of Exact Sciences
Classification: Likely benign for KANK1-related condition. Last evaluated: 2024-04-04. Review status: no assertion criteria provided. Collection method: clinical testing. Allele origin: germline. Not counted in ClinVar's aggregate classification.
Comment: This variant is classified as likely benign based on ACMG/AMP sequence variant interpretation guidelines (Richards et al. 2015 PMID: 25741868, with internal and published modifications).

NM_015158.5(KANK1):c.3060G>A (p.Glu1020=)

Gene: KANK1 (KN motif and ankyrin repeat domains 1; plus strand). Cytogenetic location: 9p24.3.
Variant type: single nucleotide variant.
Coding change: c.3060G>A on transcript NM_015158.5 (MANE Select); coding-DNA position 3060, G replaced by A.
Protein change: p.Glu1020=; no amino-acid change (glutamic acid 1020 retained).
Molecular consequence: synonymous variant. On other transcripts: intron variant (5).
Genome position (GRCh38, 1-based): chr9:732,432, G>A. VCF-style: chr9-732432-G-A. GRCh37 (hg19) VCF-style: chr9-732432-G-A.
Other names: c.3060G>A, p.Glu1020= (NM_001256876.3, NM_001256877.3, NM_001354334.2); c.3006G>A, p.Glu1002= (NM_001354332.2); c.2586G>A, p.Glu862= (NM_001354333.2, NM_001354335.2, NM_001354337.2 and 2 more transcripts); c.2532G>A, p.Glu844= (NM_001354338.2, NM_001354340.2, NM_001354344.2); c.3005+1166G>A (NM_001354331.2); c.2477+1166G>A (NM_001354336.2); c.2531+1166G>A (NM_001354339.2, NM_001354343.2, NM_001354342.2); c.3060G>A (NM_015158.3).
Identifiers: ClinVar variation 1603625 (VCV001603625.9), dbSNP rs1416952384, ClinGen allele CA463850185.
Genomic context (GRCh38, chr9:732,432, plus strand): 5'-ACCTAGGTATGAAACAACTTCAAGTGATGATTCCAGCTCAGATGAAAGCTCTTCTTCCGA[G>A]TCAGATGACGAGTGTGATGTCATTGAGTATCCTCTTGAAGAAGAGGAGGAGGAGGAGGAT-3'
Protein context (NP_055973.2, residues 1010-1030): DSSSDESSSS[Glu1020=]SDDECDVIEY